The following is an entry in ClinVar:

ClinVar aggregate classification (germline): Conflicting classifications of pathogenicity. Review status: criteria provided, conflicting classifications (1 of 4 stars). 3 submissions from 3 submitters: Uncertain significance (2); Likely benign (1). Last evaluated 2025-12-10.

Conditions:
Hereditary cancer-predisposing syndrome. Also called: Neoplastic Syndromes, Hereditary; Hereditary Cancer Syndrome; Hereditary neoplastic syndrome; Tumor predisposition. Identifiers: Orphanet 140162, MedGen C0027672, MeSH D009386, MONDO:0015356.

gnomAD v4.1: 5 of 1,613,994 alleles (0.00031%); highest among the groups gnomAD compares: Non-Finnish European, 0.00042%; no homozygotes.

Submissions (3):

Labcorp Genetics (formerly Invitae), Labcorp
Classification: Uncertain significance. Last evaluated: 2025-12-10. Review status: criteria provided, single submitter. Criteria: Invitae Variant Classification Sherloc (09022015). Collection method: clinical testing. Allele origin: germline.
Comment: This sequence change replaces arginine, which is basic and polar, with glutamine, which is neutral and polar, at codon 1826 of the POLE protein (p.Arg1826Gln). This variant is not present in population databases (gnomAD no frequency). This variant has not been reported in the literature in individuals affected with POLE-related conditions. ClinVar contains an entry for this variant (Variation ID: 540646). Invitae Evidence Modeling of protein sequence and biophysical properties (such as structural, functional, and spatial information, amino acid conservation, physicochemical variation, residue mobility, and thermodynamic stability) indicates that this missense variant is not expected to disrupt POLE protein function with a negative predictive value of 80%. In summary, the available evidence is currently insufficient to determine the role of this variant in disease. Therefore, it has been classified as a Variant of Uncertain Significance.

Ambry Genetics
Classification: Likely benign for Hereditary cancer-predisposing syndrome. Last evaluated: 2025-02-04. Review status: criteria provided, single submitter. Criteria: Ambry Variant Classification Scheme 2023. Collection method: clinical testing. Allele origin: germline.

GeneDx
Classification: Uncertain significance. Last evaluated: 2024-03-15. Review status: criteria provided, single submitter. Criteria: GeneDx Variant Classification Process June 2021. Collection method: clinical testing. Allele origin: germline. Affected: yes.
Comment: Not observed at significant frequency in large population cohorts (gnomAD); In silico analysis supports that this missense variant has a deleterious effect on protein structure/function; Has not been previously published as pathogenic or benign to our knowledge

NM_006231.4(POLE):c.5477G>A (p.Arg1826Gln)

Gene: POLE (DNA polymerase epsilon, catalytic subunit; minus strand). Cytogenetic location: 12q24.33.
Variant type: single nucleotide variant.
Coding change: c.5477G>A on transcript NM_006231.4 (MANE Select); coding-DNA position 5477, G replaced by A.
Protein change: p.Arg1826Gln; replaces arginine 1826 with glutamine.
Molecular consequence: missense variant.
Genome position (GRCh38, 1-based): chr12:132,639,200, C>T on the plus strand (G>A on the coding strand, the complement: POLE is on the minus strand). VCF-style: chr12-132639200-C-T. GRCh37 (hg19) VCF-style: chr12-133215786-C-T.
Other names: short protein forms R1826Q.
Identifiers: ClinVar variation 540646 (VCV000540646.14), dbSNP rs1555221919, ClinGen allele CA387374685.